The following is an entry in ClinVar:

ClinVar aggregate classification (germline): Uncertain significance. Review status: criteria provided, multiple submitters, no conflicts (2 of 4 stars). 2 submissions from 2 submitters: Uncertain significance (2). Last evaluated 2024-12-31.

Conditions:
Autosomal systemic lupus erythematosus type 16. Also called: Systemic lupus erythematosus 16. Identifiers: Orphanet 300345, MedGen C3280742, MONDO:0013743, OMIM 614420.

Allele frequency attached by ClinVar (database versions not stated): gnomAD 0.00001; TOPMed 0.00001.
gnomAD v4.1: 1 of 1,613,976 alleles (0.000062%); highest among the groups gnomAD compares: Admixed American, 0.0017%; no homozygotes.

Submissions (2):

Labcorp Genetics (formerly Invitae), Labcorp
Classification: Uncertain significance. Last evaluated: 2024-12-31. Review status: criteria provided, single submitter. Criteria: Invitae Variant Classification Sherloc (09022015). Collection method: clinical testing. Allele origin: germline.
Comment: This sequence change replaces tryptophan, which is neutral and slightly polar, with cysteine, which is neutral and slightly polar, at codon 138 of the DNASE1L3 protein (p.Trp138Cys). This variant is not present in population databases (gnomAD no frequency). This variant has not been reported in the literature in individuals affected with DNASE1L3-related conditions. ClinVar contains an entry for this variant (Variation ID: 1439755). An algorithm developed to predict the effect of missense changes on protein structure and function (PolyPhen-2) suggests that this variant is likely to be disruptive. In summary, the available evidence is currently insufficient to determine the role of this variant in disease. Therefore, it has been classified as a Variant of Uncertain Significance.

Fulgent Genetics
Classification: Uncertain significance for Autosomal systemic lupus erythematosus type 16. Last evaluated: 2024-03-13. Review status: criteria provided, single submitter. Criteria: ACMG Guidelines, 2015. Collection method: clinical testing. Allele origin: germline.

NM_004944.4(DNASE1L3):c.414G>C (p.Trp138Cys)

Gene: DNASE1L3 (deoxyribonuclease 1L3; minus strand). Cytogenetic location: 3p14.3.
Variant type: single nucleotide variant.
Coding change: c.414G>C on transcript NM_004944.4 (MANE Select); coding-DNA position 414, G replaced by C.
Protein change: p.Trp138Cys; replaces tryptophan 138 with cysteine.
Molecular consequence: missense variant.
Genome position (GRCh38, 1-based): chr3:58,204,788, C>G on the plus strand (G>C on the coding strand, the complement: DNASE1L3 is on the minus strand). VCF-style: chr3-58204788-C-G. GRCh37 (hg19) VCF-style: chr3-58190515-C-G.
Other names: c.324G>C, p.Trp108Cys (NM_001256560.2); short protein forms W108C, W138C.
Identifiers: ClinVar variation 1439755 (VCV001439755.9), dbSNP rs2097402899, ClinGen allele CA353340002.